The following is an entry in ClinVar:

NM_001015880.2(PAPSS2):c.1354T>C (p.Trp452Arg)

Gene: PAPSS2 (3'-phosphoadenosine 5'-phosphosulfate synthase 2; plus strand). Cytogenetic location: 10q23.31.
Variant type: single nucleotide variant.
Coding change: c.1354T>C on transcript NM_001015880.2 (MANE Select); coding-DNA position 1354, T replaced by C.
Protein change: p.Trp452Arg; replaces tryptophan 452 with arginine.
Molecular consequence: missense variant.
Genome position (GRCh38, 1-based): chr10:87,743,504, T>C. VCF-style: chr10-87743504-T-C. GRCh37 (hg19) VCF-style: chr10-89503261-T-C.
Other names: c.1339T>C, p.Trp447Arg (NM_004670.4); short protein forms W447R, W452R.
Identifiers: ClinVar variation 3208519 (VCV003208519.3), dbSNP rs1482013761, ClinGen allele CA377483123.
Genomic context (GRCh38, chr10:87,743,504, plus strand): 5'-CGCAGGCTCCTAGAGAGGGGCTACAAGCACCCGGTCCTCCTACTACACCCTCTGGGCGGC[T>C]GGACCAAGGATGACGATGTGCCTCTAGACTGGCGGATGAAGCAGCACGCGGCTGTGCTCG-3'
Protein context (NP_001015880.1, residues 442-462): PVLLLHPLGG[Trp452Arg]TKDDDVPLDW

ClinVar aggregate classification (germline): Uncertain significance. Review status: criteria provided, multiple submitters, no conflicts (2 of 4 stars). 3 submissions from 3 submitters: Uncertain significance (3). Last evaluated 2025-10-02.

Conditions:
Inborn genetic diseases. Identifiers: MedGen C0950123, MeSH D030342.
Spondyloepimetaphyseal dysplasia, PAPSS2 type. Also called: SEMD, PAKISTANI TYPE; BRACHYOLMIA TYPE 4 WITH MILD EPIPHYSEAL AND METAPHYSEAL CHANGES; SPONDYLODYSPLASIA AND PREMATURE PUBARCHE. Identifiers: Orphanet 93282, MedGen C2748516, MONDO:0019666, OMIM 612847.

Allele frequency attached by ClinVar (database versions not stated): gnomAD exomes 0.00001.
gnomAD v4.1: 6 of 1,614,136 alleles (0.00037%); highest among the groups gnomAD compares: Non-Finnish European, 0.00034%; no homozygotes.

Submissions (3):

Labcorp Genetics (formerly Invitae), Labcorp
Classification: Uncertain significance for Spondyloepimetaphyseal dysplasia, PAPSS2 type. Last evaluated: 2025-10-02. Review status: criteria provided, single submitter. Criteria: Invitae Variant Classification Sherloc (09022015). Collection method: clinical testing. Allele origin: germline.
Comment: This sequence change replaces tryptophan, which is neutral and slightly polar, with arginine, which is basic and polar, at codon 452 of the PAPSS2 protein (p.Trp452Arg). This variant is present in population databases (no rsID available, gnomAD 0.004%). This variant has not been reported in the literature in individuals affected with PAPSS2-related conditions. ClinVar contains an entry for this variant (Variation ID: 3208519). An algorithm developed to predict the effect of missense changes on protein structure and function (PolyPhen-2) suggests that this variant is likely to be disruptive. In summary, the available evidence is currently insufficient to determine the role of this variant in disease. Therefore, it has been classified as a Variant of Uncertain Significance.

Ambry Genetics
Classification: Uncertain significance for Inborn genetic diseases. Last evaluated: 2023-12-20. Review status: criteria provided, single submitter. Criteria: Ambry Variant Classification Scheme 2023. Collection method: clinical testing. Allele origin: germline.

Blueprint Genetics
Classification: Uncertain significance. Last evaluated: 2023-08-24. Review status: criteria provided, single submitter. Criteria: ACMG Guidelines, 2015. Collection method: clinical testing. Allele origin: germline.